The following is an entry in ClinVar:

NM_016335.6(PRODH):c.21G>C (p.Leu7=)

Gene: PRODH (proline dehydrogenase 1; minus strand). Cytogenetic location: 22q11.21.
Variant type: single nucleotide variant.
Coding change: c.21G>C on transcript NM_016335.6 (MANE Select); coding-DNA position 21, G replaced by C.
Protein change: p.Leu7=; no amino-acid change (leucine 7 retained).
Molecular consequence: synonymous variant. On other transcripts: 5 prime UTR variant (1), intron variant (1).
Genome position (GRCh38, 1-based): chr22:18,936,267, C>G on the plus strand (G>C on the coding strand, the complement: PRODH is on the minus strand). VCF-style: chr22-18936267-C-G. GRCh37 (hg19) VCF-style: chr22-18923780-C-G.
Other names: c.-149G>C (NM_001368250.2); c.-52+123G>C (NM_001195226.2).
Identifiers: ClinVar variation 2066014 (VCV002066014.5), dbSNP rs539772713, ClinGen allele CA321322655.
Genomic context (GRCh38, chr22:18,936,267, plus strand): 5'-GCGGGAGGCCGGCGCCGTGGACAGCGGGACGAAGCGGGGAATGCAGGGGCGCAGCGCGGG[C>G]AGGGCGCGCCTCAGAGCCATGGCGGGACGGCGGTACCCGCCCGGGCCGCTTAAGTGTGCG-3'
Protein context (NP_057419.5, residues 1-17): MALRRA[Leu7=]PALRPCIPRF

ClinVar aggregate classification (germline): Likely benign. Review status: criteria provided, multiple submitters, no conflicts (2 of 4 stars). 2 submissions from 2 submitters: Likely benign (2). Last evaluated 2026-07-01.

Conditions:
Proline dehydrogenase deficiency (HYRPRO1). Also called: PROLINE OXIDASE DEFICIENCY; Hyperprolinemia type 1. Identifiers: Orphanet 419, MedGen C0268529, MONDO:0009400, OMIM 239500.

Submissions (2):

CeGaT Center for Human Genetics Tuebingen
Classification: Likely benign. Last evaluated: 2026-07-01. Review status: criteria provided, single submitter. Criteria: CeGaT Center For Human Genetics Tuebingen Variant Classification Criteria Version 2. Collection method: clinical testing. Allele origin: germline. Affected: yes. Observed: 1 variant allele.
Comment: PRODH: PM2:Supporting, BP4, BP7

Labcorp Genetics (formerly Invitae), Labcorp
Classification: Likely benign for Proline dehydrogenase deficiency. Last evaluated: 2025-07-30. Review status: criteria provided, single submitter. Criteria: Invitae Variant Classification Sherloc (09022015). Collection method: clinical testing. Allele origin: germline.